The following is an entry in ClinVar:

NM_017617.5(NOTCH1):c.1474G>A (p.Asp492Asn)

Gene: NOTCH1 (notch receptor 1; minus strand). Cytogenetic location: 9q34.3.
Variant type: single nucleotide variant.
Coding change: c.1474G>A on transcript NM_017617.5 (MANE Select); coding-DNA position 1474, G replaced by A.
Protein change: p.Asp492Asn; replaces aspartic acid 492 with asparagine.
Molecular consequence: missense variant.
Genome position (GRCh38, 1-based): chr9:136,517,353, C>T on the plus strand (G>A on the coding strand, the complement: NOTCH1 is on the minus strand). VCF-style: chr9-136517353-C-T. GRCh37 (hg19) VCF-style: chr9-139411805-C-T.
Other names: short protein forms D492N.
Identifiers: ClinVar variation 1968907 (VCV001968907.5), dbSNP rs2540459697, ClinGen allele CA375562496.
Genomic context (GRCh38, chr9:136,517,353, plus strand): 5'-ACTCATTGATCTTGTCCAGGCAGCGGCCATTGTGCAGGCAGGGGCTGCTGGCACACTCGT[C>T]TGTGTTGACCTCGCAGTGCACACCCTCGTAGCCTGTGGGGTGGGGCAACAGTGAGGGGGG-3'
Protein context (NP_060087.3, residues 482-502): YEGVHCEVNT[Asp492Asn]ECASSPCLHN

ClinVar aggregate classification (germline): Uncertain significance (1 of 4 stars; one submission).

Conditions:
Adams-Oliver syndrome 5 (AOS5). Identifiers: Orphanet 974, MedGen C4014970, MONDO:0014459, OMIM 616028.

Submission:

Labcorp Genetics (formerly Invitae), Labcorp
Classification: Uncertain significance for Adams-Oliver syndrome 5. Last evaluated: 2025-01-20. Review status: criteria provided, single submitter. Criteria: Invitae Variant Classification Sherloc (09022015). Collection method: clinical testing. Allele origin: germline.
Comment: This sequence change replaces aspartic acid, which is acidic and polar, with asparagine, which is neutral and polar, at codon 492 of the NOTCH1 protein (p.Asp492Asn). This variant is not present in population databases (gnomAD no frequency). This variant has not been reported in the literature in individuals affected with NOTCH1-related conditions. ClinVar contains an entry for this variant (Variation ID: 1968907). Invitae Evidence Modeling of protein sequence and biophysical properties (such as structural, functional, and spatial information, amino acid conservation, physicochemical variation, residue mobility, and thermodynamic stability) indicates that this missense variant is not expected to disrupt NOTCH1 protein function with a negative predictive value of 95%. In summary, the available evidence is currently insufficient to determine the role of this variant in disease. Therefore, it has been classified as a Variant of Uncertain Significance.